The following is an entry in ClinVar:

NM_002691.4(POLD1):c.1528G>A (p.Val510Met)

Gene: POLD1 (DNA polymerase delta 1, catalytic subunit; plus strand). Cytogenetic location: 19q13.33.
Variant type: single nucleotide variant.
Coding change: c.1528G>A on transcript NM_002691.4 (MANE Select); coding-DNA position 1528, G replaced by A.
Protein change: p.Val510Met; replaces valine 510 with methionine.
Molecular consequence: missense variant. On other transcripts: non-coding transcript variant (1).
Genome position (GRCh38, 1-based): chr19:50,407,016, G>A. VCF-style: chr19-50407016-G-A. GRCh37 (hg19) VCF-style: chr19-50910273-G-A.
Other names: c.1528G>A, p.Val510Met (NM_001256849.1, NM_001308632.1); short protein forms V510M.
Identifiers: ClinVar variation 469204 (VCV000469204.14), dbSNP rs1555791349, ClinGen allele CA406980806.

ClinVar aggregate classification (germline): Uncertain significance. Review status: criteria provided, multiple submitters, no conflicts (2 of 4 stars). 3 submissions from 3 submitters: Uncertain significance (3). Last evaluated 2025-12-29.

Conditions:
POLD1-related polyposis and colorectal cancer syndrome (CRCS10). Also called: Colorectal cancer 10; COLORECTAL CANCER, SUSCEPTIBILITY TO, ON CHROMOSOME 19q; Colorectal cancer, susceptibility to, 10. Identifiers: Orphanet 220460, MedGen C2675481, MONDO:0012953, OMIM 612591.
Hereditary cancer-predisposing syndrome. Also called: Neoplastic Syndromes, Hereditary; Hereditary neoplastic syndrome; Tumor predisposition; Hereditary Cancer Syndrome. Identifiers: Orphanet 140162, MedGen C0027672, MeSH D009386, MONDO:0015356.

Submissions (3):

Center for Genomic Medicine, Rigshospitalet, Copenhagen University Hospital
Classification: Uncertain significance. Last evaluated: 2025-12-29. Review status: criteria provided, single submitter. Criteria: ACMG Guidelines, 2015. Collection method: clinical testing. Allele origin: germline.

Labcorp Genetics (formerly Invitae), Labcorp
Classification: Uncertain significance for POLD1-related polyposis and colorectal cancer syndrome. Last evaluated: 2024-05-29. Review status: criteria provided, single submitter. Criteria: Invitae Variant Classification Sherloc (09022015). Collection method: clinical testing. Allele origin: germline.
Comment: This sequence change replaces valine, which is neutral and non-polar, with methionine, which is neutral and non-polar, at codon 510 of the POLD1 protein (p.Val510Met). This variant is not present in population databases (gnomAD no frequency). This variant has not been reported in the literature in individuals affected with POLD1-related conditions. ClinVar contains an entry for this variant (Variation ID: 469204). Advanced modeling of protein sequence and biophysical properties (such as structural, functional, and spatial information, amino acid conservation, physicochemical variation, residue mobility, and thermodynamic stability) performed at Invitae indicates that this missense variant is not expected to disrupt POLD1 protein function with a negative predictive value of 80%. In summary, the available evidence is currently insufficient to determine the role of this variant in disease. Therefore, it has been classified as a Variant of Uncertain Significance.

Ambry Genetics
Classification: Uncertain significance for Hereditary cancer-predisposing syndrome. Last evaluated: 2022-04-29. Review status: criteria provided, single submitter. Criteria: Ambry Variant Classification Scheme 2023. Collection method: clinical testing. Allele origin: germline.
Comment: The p.V510M variant (also known as c.1528G>A), located in coding exon 12 of the POLD1 gene, results from a G to A substitution at nucleotide position 1528. The valine at codon 510 is replaced by methionine, an amino acid with highly similar properties. This amino acid position is highly conserved in available vertebrate species. In addition, this alteration is predicted to be tolerated by in silico analysis. Since supporting evidence is limited at this time, the clinical significance of this alteration remains unclear.